The following is an entry in ClinVar:

NM_024649.5(BBS1):c.562C>T (p.Gln188Ter)

Gene: BBS1 (Bardet-Biedl syndrome 1; plus strand). Cytogenetic location: 11q13.2.
Variant type: single nucleotide variant.
Coding change: c.562C>T on transcript NM_024649.5 (MANE Select); coding-DNA position 562, C replaced by T.
Protein change: p.Gln188Ter; replaces glutamine 188 with a stop codon.
Molecular consequence: nonsense.
Genome position (GRCh38, 1-based): chr11:66,515,904, C>T. VCF-style: chr11-66515904-C-T. GRCh37 (hg19) VCF-style: chr11-66283375-C-T.
Other names: short protein forms Q188*.
Identifiers: ClinVar variation 5011633 (VCV005011633.1).

ClinVar aggregate classification (germline): Pathogenic (1 of 4 stars; one submission).

Conditions:
Bardet-Biedl syndrome 1 (BBS1). Identifiers: MedGen C2936862, MONDO:0008854, OMIM 209900. Disease mechanism: loss of function.

Submission:

Myriad Genetics, Inc.
Classification: Pathogenic for Bardet-Biedl syndrome 1. Last evaluated: 2023-09-10. Review status: criteria provided, single submitter. Criteria: Myriad Autosomal Dominant, Autosomal Recessive and X-Linked Classification Criteria (2023). Collection method: clinical testing. Allele origin: unknown.
Comment: NM_024649.4(BBS1):c.562C>T(Q188*) is expected to be pathogenic in the context of Bardet-Biedl syndrome, BBS1-related. This variant is predicted to lead to an abnormal or absent protein product due to the creation of a premature termination codon in BBS1, a gene where loss-of-function variants are known to be pathogenic. Please note: this variant was assessed in the context of healthy population screening.